The following is an entry in ClinVar:

NM_018896.5(CACNA1G):c.1855C>T (p.Leu619Phe)

Gene: CACNA1G (calcium voltage-gated channel subunit alpha1 G; plus strand). Cytogenetic location: 17q21.33.
Variant type: single nucleotide variant.
Coding change: c.1855C>T on transcript NM_018896.5 (MANE Select); coding-DNA position 1855, C replaced by T.
Protein change: p.Leu619Phe; replaces leucine 619 with phenylalanine.
Molecular consequence: missense variant. On other transcripts: non-coding transcript variant (5).
Genome position (GRCh38, 1-based): chr17:50,576,257, C>T. VCF-style: chr17-50576257-C-T. GRCh37 (hg19) VCF-style: chr17-48653618-C-T.
Other names: c.1855C>T, p.Leu619Phe (NM_001256324.2, NM_001256325.2, NM_001256326.2 and 24 more transcripts); short protein forms L619F.
Identifiers: ClinVar variation 1708786 (VCV001708786.2), dbSNP rs2544876538, ClinGen allele CA400239876.

ClinVar aggregate classification (germline): Uncertain significance (1 of 4 stars; one submission).

Allele frequency attached by ClinVar (database versions not stated): gnomAD exomes below 0.00001.
gnomAD v4.1: 2 of 1,592,574 alleles (0.00013%); highest among the groups gnomAD compares: Non-Finnish European, 0.00017%; no homozygotes.

Submission:

GeneDx
Classification: Uncertain significance. Last evaluated: 2022-04-08. Review status: criteria provided, single submitter. Criteria: GeneDx Variant Classification Process June 2021. Collection method: clinical testing. Allele origin: germline. Affected: yes.
Comment: Not observed at significant frequency in large population cohorts (gnomAD); In silico analysis supports that this missense variant does not alter protein structure/function; Has not been previously published as pathogenic or benign to our knowledge